The following is an entry in ClinVar:

NM_001130987.2(DYSF):c.4221+1G>T

Gene: DYSF (dysferlin; plus strand). Cytogenetic location: 2p13.2.
Variant type: single nucleotide variant.
Coding change: c.4221+1G>T on transcript NM_001130987.2 (MANE Select); the canonical splice donor site of the intron after coding-DNA position 4221, G replaced by T.
Molecular consequence: splice donor variant.
Genome position (GRCh38, 1-based): chr2:71,611,627, G>T. VCF-style: chr2-71611627-G-T. GRCh37 (hg19) VCF-style: chr2-71838757-G-T.
Other names: c.4260+1G>T (NM_001130979.2); c.4218+1G>T (NM_001130981.2, NM_001130980.2); c.4167+1G>T (NM_001130978.2, NM_003494.4); c.4125+1G>T (NM_001130977.2, NM_001130976.2); c.4263+1G>T (NM_001130982.2); c.4221+1G>T (NM_001130985.2); c.4170+1G>T (NM_001130983.2, NM_001130455.2); c.4128+1G>T (NM_001130984.2, NM_001130986.2).
Identifiers: ClinVar variation 2119849 (VCV002119849.5), dbSNP rs1474151297, ClinGen allele CA347228988.

ClinVar aggregate classification (germline): Pathogenic. Review status: criteria provided, multiple submitters, no conflicts (2 of 4 stars). 2 submissions from 2 submitters: Pathogenic (2). Last evaluated 2025-07-21.

Conditions:
Neuromuscular disease caused by qualitative or quantitative defects of dysferlin. Also called: Qualitative or quantitative defects of dysferlin; Dysferlinopathy. Identifiers: Orphanet 207073, MedGen C2931687, MONDO:0016145.

Submissions (2):

Labcorp Genetics (formerly Invitae), Labcorp
Classification: Pathogenic for Neuromuscular disease caused by qualitative or quantitative defects of dysferlin. Last evaluated: 2025-07-21. Review status: criteria provided, single submitter. Criteria: Invitae Variant Classification Sherloc (09022015). Collection method: clinical testing. Allele origin: germline.
Comment: This sequence change affects a donor splice site in intron 38 of the DYSF gene. It is expected to disrupt RNA splicing. Variants that disrupt the donor or acceptor splice site typically lead to a loss of protein function (PMID: 16199547), and loss-of-function variants in DYSF are known to be pathogenic (PMID: 17698709, 20301480). This variant is not present in population databases (gnomAD no frequency). Disruption of this splice site has been observed in individual(s) with DYSF-related conditions (PMID: 18853459, 27647186). ClinVar contains an entry for this variant (Variation ID: 2119849). Algorithms developed to predict the effect of sequence changes on RNA splicing suggest that this variant may disrupt the consensus splice site. For these reasons, this variant has been classified as Pathogenic.

Revvity Omics, Revvity
Classification: Pathogenic. Last evaluated: 2024-07-30. Review status: criteria provided, single submitter. Criteria: ACMG Guidelines, 2015. Collection method: clinical testing. Allele origin: germline.

Literature cited by the submitters: PubMed 16199547 (cited by Labcorp Genetics (formerly Invitae), Labcorp); PubMed 17698709 (cited by Labcorp Genetics (formerly Invitae), Labcorp); PubMed 20301480 (cited by Labcorp Genetics (formerly Invitae), Labcorp); PubMed 18853459 (cited by Labcorp Genetics (formerly Invitae), Labcorp); PubMed 27647186 (cited by Labcorp Genetics (formerly Invitae), Labcorp).